The following is an entry in ClinVar:

NM_000451.4(SHOX):c.-9del

Gene: SHOX (SHOX homeobox; plus strand). Cytogenetic location: Xp22.33.
Variant type: Deletion.
Coding change: c.-9del on transcript NM_000451.4 (MANE Select); 9 bases upstream of the start codon, one base deleted (G; older notation c.-9delG).
Molecular consequence: 5 prime UTR variant.
Genome position (GRCh38, 1-based): chrX:630,889, G deleted; the last of 2 consecutive G bases (chrX:630,888-630,889); deleting either gives the same sequence. VCF-style (leftmost placement, unchanged base first): chrX-630887-CG-C. GRCh37 (hg19) VCF-style: chrX-591622-CG-C.
Other names: c.-9del (NM_006883.2); c.-9delG (NM_000451.4).
Identifiers: ClinVar variation 586583 (VCV000586583.7), dbSNP rs778186580, ClinGen allele CA10329824.
Genomic context (GRCh38, chrX:630,887, plus strand): 5'-GGCCGTCCTCTCCGCGCGGGGAGACGCGCGCATCCACCAGCCCCGGCTGCTCGCCAGCCC[CG>C]GCCCCAGCCATGGAAGAGCTCACGGCTTTTGTATCCAAGTCTTTTGACCAGAAAAGCAAG-3'

ClinVar aggregate classification (germline): Conflicting classifications of pathogenicity. Review status: criteria provided, conflicting classifications (1 of 4 stars). 3 submissions from 3 submitters: Uncertain significance (1); Likely benign (2). Last evaluated 2025-06-26.

Submissions (3):

Women's Health and Genetics/Laboratory Corporation of America, LabCorp
Classification: Uncertain significance. Last evaluated: 2025-06-26. Review status: criteria provided, single submitter. Criteria: LabCorp Variant Classification Summary - May 2015. Collection method: clinical testing. Allele origin: germline.
Comment: Variant summary: SHOX c.-9delG is located in the untranslated mRNA region upstream of the initiation codon. This frequency is not significantly higher than estimated for a pathogenic variant in SHOX causing Langer Mesomelic Dysplasia (0.00044 vs 0.0022), allowing no conclusion about variant significance. c.-9delG has been observed in individuals affected with clinical features of SHOX-related disorders (Hirschfeldova_2017, Babu_2021, Toni_2023). These reports do not provide unequivocal conclusions about association of the variant with Langer Mesomelic Dysplasia. At least one publication reports experimental evidence evaluating an impact on protein function and this variant might interfere with the correct SHOX expression (Babu_2021). The following publications have been ascertained in the context of this evaluation (PMID: 32647378, 27708272, 37019085). ClinVar contains an entry for this variant (Variation ID: 586583). Based on the evidence outlined above, the variant was classified as uncertain significance.

Blueprint Genetics
Classification: Likely benign. Last evaluated: 2024-10-29. Review status: criteria provided, single submitter. Criteria: ACMG Guidelines, 2015. Collection method: clinical testing. Allele origin: germline.

Athena Diagnostics
Classification: Likely benign. Last evaluated: 2024-05-24. Review status: criteria provided, single submitter. Criteria: Athena Diagnostics Criteria. Collection method: clinical testing. Allele origin: unknown.

Literature cited by the submitters: PubMed 27708272 (cited by Women's Health and Genetics/Laboratory Corporation of America, LabCorp and Athena Diagnostics); PubMed 37019085 (cited by Women's Health and Genetics/Laboratory Corporation of America, LabCorp); PubMed 32647378 (cited by Women's Health and Genetics/Laboratory Corporation of America, LabCorp and Athena Diagnostics); PubMed 27676402 (cited by Athena Diagnostics).